The following is an entry in ClinVar:

ClinVar aggregate classification (germline): Likely pathogenic (1 of 4 stars; one submission).

Submission:

GeneDx
Classification: Likely pathogenic. Last evaluated: 2023-11-30. Review status: criteria provided, single submitter. Criteria: GeneDx Variant Classification Process June 2021. Collection method: clinical testing. Allele origin: germline. Affected: yes.
Comment: Not observed at significant frequency in large population cohorts (gnomAD); In silico analysis supports that this missense variant has a deleterious effect on protein structure/function; Has not been previously published as pathogenic or benign to our knowledge

NM_001190737.2(NFIB):c.330C>A (p.Asp110Glu)

Gene: NFIB (nuclear factor I B; minus strand). Cytogenetic location: 9p22.3.
Variant type: single nucleotide variant.
Coding change: c.330C>A on transcript NM_001190737.2 (MANE Select); coding-DNA position 330, C replaced by A.
Protein change: p.Asp110Glu; replaces aspartic acid 110 with glutamic acid.
Molecular consequence: missense variant.
Genome position (GRCh38, 1-based): chr9:14,307,221, G>T on the plus strand (C>A on the coding strand, the complement: NFIB is on the minus strand). VCF-style: chr9-14307221-G-T. GRCh37 (hg19) VCF-style: chr9-14307220-G-T.
Other names: c.408C>A, p.Asp136Glu (NM_001190738.2); c.396C>A, p.Asp132Glu (NM_001369458.1, NM_001369459.1, NM_001369462.1 and 1 more transcripts); c.318C>A, p.Asp106Glu (NM_001369460.1, NM_001369463.1, NM_001369466.1 and 4 more transcripts); c.330C>A, p.Asp110Glu (NM_001369461.1, NM_001369464.1, NM_001369471.1 and 5 more transcripts); c.303C>A, p.Asp101Glu (NM_001369465.1, NM_001369467.1, NM_001369476.1); c.186C>A, p.Asp62Glu (NM_001369469.1); c.315C>A, p.Asp105Glu (NM_001369474.1); short protein forms D101E, D105E, D106E, D110E, D132E, D136E, D62E.
Identifiers: ClinVar variation 3342513 (VCV003342513.1).
Genomic context (GRCh38, chr9:14,307,221, plus strand): 5'-CAGACGCCAGACTTTGTCTGCCTGTCGCAGGCAGTCGATTCTCCTAATCTTACCCTTCTG[G>T]TCGGGATTGGATAAGACACAGCACGGGTGCTTCTTGCCAGTCACGGTGAGCACAAAGTCC-3'
Protein context (NP_001177666.1, residues 100-120): KHPCCVLSNP[Asp110Glu]QKGKIRRIDC